The following is an entry in ClinVar:

NM_003660.4(PPFIA3):c.2405C>T (p.Pro802Leu)

Gene: PPFIA3 (PPFI scaffold protein A3; plus strand). Cytogenetic location: 19q13.33.
Variant type: single nucleotide variant.
Coding change: c.2405C>T on transcript NM_003660.4 (MANE Select); coding-DNA position 2405, C replaced by T.
Protein change: p.Pro802Leu; replaces proline 802 with leucine.
Molecular consequence: missense variant. On other transcripts: non-coding transcript variant (1).
Genome position (GRCh38, 1-based): chr19:49,141,456, C>T. VCF-style: chr19-49141456-C-T. GRCh37 (hg19) VCF-style: chr19-49644713-C-T.
Other names: short protein forms P802L.
Identifiers: ClinVar variation 3936581 (VCV003936581.3).

ClinVar aggregate classification (germline): Uncertain significance. Review status: criteria provided, multiple submitters, no conflicts (2 of 4 stars). 2 submissions from 2 submitters: Uncertain significance (2). Last evaluated 2026-01-16.

Conditions:
Complex neurodevelopmental disorder. Identifiers: Orphanet 528084, MedGen C5568766, MONDO:0100038.
Inborn genetic diseases. Identifiers: MedGen C0950123, MeSH D030342.

Submissions (2):

Dasa
Classification: Uncertain significance for Complex neurodevelopmental disorder. Last evaluated: 2026-01-16. Review status: criteria provided, single submitter. Criteria: DASA Assertion Criteria. Collection method: clinical testing. Allele origin: germline.
Comment: NM_003660.4(PPFIA3):c.2405C>T (p.Pro802Leu) is a missense variant that results in the substitution of proline with leucine. This variant is rare in population databases. Computational prediction algorithms are consistent with a benign effect. The currently available literature and clinical evidence are not sufficient to establish a definitive association between this variant and the reported condition. Therefore, this variant is classified as a variant of uncertain significance.

Ambry Genetics
Classification: Uncertain significance for Inborn genetic diseases. Last evaluated: 2025-04-11. Review status: criteria provided, single submitter. Criteria: Ambry Variant Classification Scheme 2023. Collection method: clinical testing. Allele origin: germline.